The following is an entry in ClinVar:

ClinVar aggregate classification (germline): Benign (3 of 4 stars; one submission).

Conditions:
Breast-ovarian cancer, familial, susceptibility to, 2 (BROVCA2). Also called: BRCA2 Hereditary Breast and Ovarian Cancer. Identifiers: Orphanet 145, MedGen C2675520, MONDO:0012933, OMIM 612555. Disease mechanism: loss of function.

Submission:

Evidence-based Network for the Interpretation of Germline Mutant Alleles (ENIGMA)
Classification: Benign for Breast-ovarian cancer, familial 2. Last evaluated: 2015-01-12. Review status: reviewed by expert panel. Criteria: ENIGMA BRCA1/2 Classification Criteria (2015). Collection method: curation. Allele origin: germline.
Comment: Class 1 not pathogenic based on frequency >1% in an outbred sampleset. Frequency 0.06 (African), derived from 1000 genomes (2012-04-30).

NM_000059.4(BRCA2):c.7008-3077ATTTT[4]

Gene: BRCA2 (BRCA2 DNA repair associated; plus strand). Cytogenetic location: 13q13.1.
Variant type: Microsatellite.
Coding change: c.7008-3077ATTTT[4] on transcript NM_000059.4 (MANE Select); four copies in a row of the 5-base unit ATTTT starting at c.7008-3077.
Molecular consequence: intron variant.
Genome position: GRCh38 VCF-style: chr13-32351783-C-CATTTT. GRCh37 (hg19) VCF-style: chr13-32925920-C-CATTTT.
Other names: IVS 13-3078insATTTT; c.7008-3078_7008-3077insATTTT (NM_000059.3).
Identifiers: ClinVar variation 209742 (VCV000209742.1), dbSNP rs202234683, ClinGen allele CA276710.
Genomic context (GRCh38, chr13:32,351,783, plus strand): 5'-ATCTTTTCTAGCTGATAAATTTTTAAGCCTAAAAATATCATTGAAATTATTTTAATGTTA[C>CATTTT]ATTTTATTTTATTTTATTTATTTATTTATTTATTTTGATACAGAGTCTCACTCTGTCGCC-3'